The following is an entry in ClinVar:

NM_003611.3(OFD1):c.313-19T>G

Gene: OFD1 (OFD1 centriole and centriolar satellite protein; plus strand). Cytogenetic location: Xp22.2.
Variant type: single nucleotide variant.
Coding change: c.313-19T>G on transcript NM_003611.3 (MANE Select); 19 bases into the intron before coding-DNA position 313, T replaced by G.
Molecular consequence: intron variant.
Genome position (GRCh38, 1-based): chrX:13,738,827, T>G. VCF-style: chrX-13738827-T-G. GRCh37 (hg19) VCF-style: chrX-13756946-T-G.
Other names: c.-233-19T>G (NM_001330210.2); c.313-19T>G (NM_001330209.2).
Identifiers: ClinVar variation 3749960 (VCV003749960.2).

ClinVar aggregate classification (germline): Uncertain significance (1 of 4 stars; one submission).

Conditions:
Joubert syndrome. Also called: CEREBELLOPARENCHYMAL DISORDER IV; JOUBERT-BOLTSHAUSER SYNDROME; Familial aplasia of the vermis. Identifiers: Orphanet 475, MedGen C5979921, MONDO:0018772.
Orofaciodigital syndrome I (OFD1). Also called: OFDS I; Papillon-Leage and Psaume Syndrome; Oral-Facial-Digital Syndrome Type I. Identifiers: Orphanet 2750, MedGen C1510460, MONDO:0010702, OMIM 311200.

Submission:

Labcorp Genetics (formerly Invitae), Labcorp
Classification: Uncertain significance for Orofaciodigital syndrome I; Joubert syndrome. Last evaluated: 2024-09-24. Review status: criteria provided, single submitter. Criteria: Invitae Variant Classification Sherloc (09022015). Collection method: clinical testing. Allele origin: germline.
Comment: This sequence change falls in intron 3 of the OFD1 gene. It does not directly change the encoded amino acid sequence of the OFD1 protein. This variant is not present in population databases (gnomAD no frequency). This variant has not been reported in the literature in individuals affected with OFD1-related conditions. Algorithms developed to predict the effect of sequence changes on RNA splicing suggest that this variant may disrupt the consensus splice site. In summary, the available evidence is currently insufficient to determine the role of this variant in disease. Therefore, it has been classified as a Variant of Uncertain Significance.